The following is an entry in ClinVar:

NM_000291.4(PGK1):c.1100G>C (p.Cys367Ser)

Gene: PGK1 (phosphoglycerate kinase 1; plus strand). Cytogenetic location: Xq21.1.
Variant type: single nucleotide variant.
Coding change: c.1100G>C on transcript NM_000291.4 (MANE Select); coding-DNA position 1100, G replaced by C.
Protein change: p.Cys367Ser; replaces cysteine 367 with serine.
Molecular consequence: missense variant.
Genome position (GRCh38, 1-based): chrX:78,125,037, G>C. VCF-style: chrX-78125037-G-C. GRCh37 (hg19) VCF-style: chrX-77380534-G-C.
Other names: short protein forms C367S.
Identifiers: ClinVar variation 4746384 (VCV004746384.1).
Genomic context (GRCh38, chrX:78,125,037, plus strand): 5'-CTTTTGCCCGGGGAACCAAAGCTCTCATGGATGAGGTGGTGAAAGCCACTTCTAGGGGCT[G>C]CATCACCATCATAGGTAAGCGGTCCTATACAAAGCTAATACCCATATAAGCTGGCAGAAT-3'
Protein context (NP_000282.1, residues 357-377): DEVVKATSRG[Cys367Ser]ITIIGGGDTA

ClinVar aggregate classification (germline): Uncertain significance (1 of 4 stars; one submission).

gnomAD v4.1: 5 of 1,208,032 alleles (0.00041%); highest among the groups gnomAD compares: Non-Finnish European, 0.00056%; no homozygotes.

Submission:

Labcorp Genetics (formerly Invitae), Labcorp
Classification: Uncertain significance. Last evaluated: 2025-04-27. Review status: criteria provided, single submitter. Criteria: Invitae Variant Classification Sherloc (09022015). Collection method: clinical testing. Allele origin: germline.
Comment: This sequence change replaces cysteine, which is neutral and slightly polar, with serine, which is neutral and polar, at codon 367 of the PGK1 protein (p.Cys367Ser). This variant is not present in population databases (gnomAD no frequency). This variant has not been reported in the literature in individuals affected with PGK1-related conditions. Invitae Evidence Modeling of protein sequence and biophysical properties (such as structural, functional, and spatial information, amino acid conservation, physicochemical variation, residue mobility, and thermodynamic stability) indicates that this missense variant is not expected to disrupt PGK1 protein function with a negative predictive value of 80%. In summary, the available evidence is currently insufficient to determine the role of this variant in disease. Therefore, it has been classified as a Variant of Uncertain Significance.